The following is an entry in ClinVar:

ClinVar aggregate classification (germline): Uncertain significance. Review status: criteria provided, multiple submitters, no conflicts (2 of 4 stars). 2 submissions from 2 submitters: Uncertain significance (2). Last evaluated 2022-07-11.

Conditions:
Dyskeratosis congenita. Identifiers: Orphanet 1775, MedGen C0265965, MONDO:0015780.
Dyskeratosis congenita, autosomal dominant 2. Identifiers: MedGen C3151443, MONDO:0013521, OMIM 613989.
Idiopathic Pulmonary Fibrosis. Also called: Idiopathic fibrosing alveolitis, chronic form; idiopathic fibrosing alveolitis. Identifiers: Orphanet 2032, MedGen C1800706, MeSH D054990, MONDO:0800504.

gnomAD v4.1: 1 of 1,553,532 alleles (0.000064%); highest among the groups gnomAD compares: East Asian, 0.0024%; no homozygotes.

Submissions (2):

Labcorp Genetics (formerly Invitae), Labcorp
Classification: Uncertain significance for Dyskeratosis congenita, autosomal dominant 2; Idiopathic Pulmonary Fibrosis. Last evaluated: 2022-07-11. Review status: criteria provided, single submitter. Criteria: Invitae Variant Classification Sherloc (09022015). Collection method: clinical testing. Allele origin: germline.
Comment: This sequence change replaces arginine, which is basic and polar, with glycine, which is neutral and non-polar, at codon 369 of the TERT protein (p.Arg369Gly). This variant is not present in population databases (gnomAD no frequency). This variant has not been reported in the literature in individuals affected with TERT-related conditions. ClinVar contains an entry for this variant (Variation ID: 565901). Advanced modeling of protein sequence and biophysical properties (such as structural, functional, and spatial information, amino acid conservation, physicochemical variation, residue mobility, and thermodynamic stability) performed at Invitae indicates that this missense variant is not expected to disrupt TERT protein function. In summary, the available evidence is currently insufficient to determine the role of this variant in disease. Therefore, it has been classified as a Variant of Uncertain Significance.

Ambry Genetics
Classification: Uncertain significance for Dyskeratosis congenita. Last evaluated: 2022-01-14. Review status: criteria provided, single submitter. Criteria: Ambry Variant Classification Scheme 2023. Collection method: clinical testing. Allele origin: germline.
Comment: The p.R369G variant (also known as c.1105A>G), located in coding exon 2 of the TERT gene, results from an A to G substitution at nucleotide position 1105. The arginine at codon 369 is replaced by glycine, an amino acid with dissimilar properties. This amino acid position is conserved. In addition, this alteration is predicted to be tolerated by in silico analysis. Since supporting evidence is limited at this time, the clinical significance of this alteration remains unclear.

NM_198253.3(TERT):c.1105A>G (p.Arg369Gly)

Gene: TERT (telomerase reverse transcriptase; minus strand). Cytogenetic location: 5p15.33.
Variant type: single nucleotide variant.
Coding change: c.1105A>G on transcript NM_198253.3 (MANE Select); coding-DNA position 1105, A replaced by G.
Protein change: p.Arg369Gly; replaces arginine 369 with glycine.
Molecular consequence: missense variant. On other transcripts: non-coding transcript variant (2).
Genome position (GRCh38, 1-based): chr5:1,293,781, T>C on the plus strand (A>G on the coding strand, the complement: TERT is on the minus strand). VCF-style: chr5-1293781-T-C. GRCh37 (hg19) VCF-style: chr5-1293896-T-C.
Other names: c.1105A>G, p.Arg369Gly (NM_001193376.3); short protein forms R369G.
Identifiers: ClinVar variation 565901 (VCV000565901.8), dbSNP rs1561213793, ClinGen allele CA359055566.
Genomic context (GRCh38, chr5:1,293,781, plus strand): 5'-TTTGCCAGTAGCGCTGGGGCAGGCGGGGCAACCTGCGGGGAGTCCCTGGCATCCAGGGCC[T>C]GGAACCCAGAAAGATGGTCTCCACGAGCCTCCGAGCGCCAGTCAGGCTGGGCCTCAGAGA-3'
Protein context (NP_937983.2, residues 359-379): RLVETIFLGS[Arg369Gly]PWMPGTPRRL